The following is an entry in ClinVar:

ClinVar aggregate classification (germline): Uncertain significance (1 of 4 stars; one submission).

Submission:

Labcorp Genetics (formerly Invitae), Labcorp
Classification: Uncertain significance. Last evaluated: 2022-06-08. Review status: criteria provided, single submitter. Criteria: Invitae Variant Classification Sherloc (09022015). Collection method: clinical testing. Allele origin: germline.
Comment: In summary, the available evidence is currently insufficient to determine the role of this variant in disease. Therefore, it has been classified as a Variant of Uncertain Significance. Algorithms developed to predict the effect of missense changes on protein structure and function are either unavailable or do not agree on the potential impact of this missense change (SIFT: "Deleterious"; PolyPhen-2: "Benign"; Align-GVGD: "Class C0"). This variant has not been reported in the literature in individuals affected with SPEG-related conditions. This variant is not present in population databases (gnomAD no frequency). This sequence change replaces proline, which is neutral and non-polar, with alanine, which is neutral and non-polar, at codon 868 of the SPEG protein (p.Pro868Ala).

NM_005876.5(SPEG):c.2602C>G (p.Pro868Ala)

Gene: SPEG (striated muscle enriched protein kinase; plus strand). Cytogenetic location: 2q35.
Variant type: single nucleotide variant.
Coding change: c.2602C>G on transcript NM_005876.5 (MANE Select); coding-DNA position 2602, C replaced by G.
Protein change: p.Pro868Ala; replaces proline 868 with alanine.
Molecular consequence: missense variant.
Genome position (GRCh38, 1-based): chr2:219,462,043, C>G. VCF-style: chr2-219462043-C-G. GRCh37 (hg19) VCF-style: chr2-220326765-C-G.
Other names: c.55C>G, p.Pro19Ala (NM_001173476.2); short protein forms P868A, P19A.
Identifiers: ClinVar variation 2003591 (VCV002003591.4), dbSNP rs374647445, ClinGen allele CA350737364.